The following is an entry in ClinVar:

ClinVar aggregate classification (germline): Uncertain significance (1 of 4 stars; one submission).

Conditions:
Fanconi anemia (FA). Also called: Fanconi's anemia. Identifiers: Orphanet 84, MedGen C0015625, MeSH D005199, MONDO:0019391.

Allele frequency attached by ClinVar (database versions not stated): gnomAD exomes below 0.00001.

Submission:

Labcorp Genetics (formerly Invitae), Labcorp
Classification: Uncertain significance for Fanconi anemia. Last evaluated: 2021-09-23. Review status: criteria provided, single submitter. Criteria: Invitae Variant Classification Sherloc (09022015). Collection method: clinical testing. Allele origin: germline.
Comment: Advanced modeling of protein sequence and biophysical properties (such as structural, functional, and spatial information, amino acid conservation, physicochemical variation, residue mobility, and thermodynamic stability) performed at Invitae indicates that this missense variant is not expected to disrupt FANCA protein function. This variant has not been reported in the literature in individuals affected with FANCA-related conditions. This variant is not present in population databases (ExAC no frequency). This sequence change replaces methionine with isoleucine at codon 221 of the FANCA protein (p.Met221Ile). The methionine residue is weakly conserved and there is a small physicochemical difference between methionine and isoleucine. In summary, the available evidence is currently insufficient to determine the role of this variant in disease. Therefore, it has been classified as a Variant of Uncertain Significance.

NM_000135.4(FANCA):c.663G>A (p.Met221Ile)

Gene: FANCA (FA complementation group A; minus strand). Cytogenetic location: 16q24.3.
Variant type: single nucleotide variant.
Coding change: c.663G>A on transcript NM_000135.4 (MANE Select); coding-DNA position 663, G replaced by A.
Protein change: p.Met221Ile; replaces methionine 221 with isoleucine.
Molecular consequence: missense variant.
Genome position (GRCh38, 1-based): chr16:89,805,326, C>T on the plus strand (G>A on the coding strand, the complement: FANCA is on the minus strand). VCF-style: chr16-89805326-C-T. GRCh37 (hg19) VCF-style: chr16-89871734-C-T.
Other names: c.663G>A, p.Met221Ile (NM_001018112.3, NM_001286167.3); c.567G>A, p.Met189Ile (NM_001351830.2); short protein forms M221I, M189I.
Identifiers: ClinVar variation 1442760 (VCV001442760.6), dbSNP rs1161493688, ClinGen allele CA397477919.